The following is an entry in ClinVar:

ClinVar aggregate classification (germline): Uncertain significance (1 of 4 stars; one submission).

Conditions:
Developmental and epileptic encephalopathy, 66. Also called: EPILEPTIC ENCEPHALOPATHY, EARLY INFANTILE, 66. Identifiers: MedGen C4748070, MONDO:0054845, OMIM 618067.

Submission:

Victorian Clinical Genetics Services, Murdoch Childrens Research Institute
Classification: Uncertain significance for Developmental and epileptic encephalopathy, 66. Last evaluated: 2024-10-10. Review status: criteria provided, single submitter. Criteria: ACMG Guidelines, 2015. Collection method: clinical testing. Allele origin: germline. Inheritance: Autosomal dominant inheritance. Affected: yes.
Comment: Based on the classification scheme VCGS_Germline_v1.3.5, this variant is classified as VUS-3B. Following criteria are met: 0105 - The mechanism of disease for this gene is not clearly established. However, gain of function has been suggested (PMID: 29656858). (I) 0107 - This gene is associated with autosomal dominant disease. (I) 0115 - Variants in this gene are known to have variable expressivity. Variability of clinical severity has been reported in a family (PMID: 35770754). (I) 0200 - Variant is predicted to result in a missense amino acid change from glutamine to leucine. This variant affects the second nucleotide of exon 8 and is therefore also considered a non-canonical splice site variant without proven consequence on splicing (no functional evidence available). (I) 0251 - This variant is heterozygous. (I) 0301 - Variant is absent from gnomAD (v2, v3 and v4). (SP) 0309 - An alternative amino acid change at the same position has been observed in gnomAD (v4; 56 heterozygotes, 0 homozygotes). (I) 0501 - Missense variant consistently predicted to be damaging by multiple in silico tools or highly conserved with a major amino acid change. This variant is also located in a splice region; in silico predictions for abnormal splicing are conflicting. (SP) 0604 - Variant is not located in an established domain, motif, hotspot or informative constraint region. (I) 0705 - No comparable missense variants have previous evidence for pathogenicity. (I) 0807 - This variant has no previous evidence of pathogenicity. (I) 0905 - No published segregation evidence has been identified for this variant. (I) 1007 - No published functional evidence has been identified for this variant. (I) 1208 - Inheritance information for this variant is not currently available in this individual. (I) Legend: (SP) - Supporting pathogenic, (I) - Information, (SB) - Supporting benign

Literature cited by the submitters: PubMed 29656858; PubMed 35770754.

NM_001100913.3(PACS2):c.743A>T (p.Gln248Leu)

Gene: PACS2 (phosphofurin acidic cluster sorting protein 2; plus strand). Cytogenetic location: 14q32.33.
Variant type: single nucleotide variant.
Coding change: c.743A>T on transcript NM_001100913.3 (MANE Select); coding-DNA position 743, A replaced by T.
Protein change: p.Gln248Leu; replaces glutamine 248 with leucine.
Molecular consequence: missense variant.
Genome position (GRCh38, 1-based): chr14:105,369,842, A>T. VCF-style: chr14-105369842-A-T. GRCh37 (hg19) VCF-style: chr14-105836179-A-T.
Other names: c.518A>T, p.Gln173Leu (NM_001243127.3); c.743A>T, p.Gln248Leu (NM_015197.4); short protein forms Q173L, Q248L.
Identifiers: ClinVar variation 3376590 (VCV003376590.1).